The following is an entry in ClinVar:

NM_024989.4(PGAP1):c.2647A>G (p.Thr883Ala)

Gene: PGAP1 (post-GPI attachment to proteins inositol deacylase 1; minus strand). Cytogenetic location: 2q33.1.
Variant type: single nucleotide variant.
Coding change: c.2647A>G on transcript NM_024989.4 (MANE Select); coding-DNA position 2647, A replaced by G.
Protein change: p.Thr883Ala; replaces threonine 883 with alanine.
Molecular consequence: missense variant.
Genome position (GRCh38, 1-based): chr2:196,841,356, T>C on the plus strand (A>G on the coding strand, the complement: PGAP1 is on the minus strand). VCF-style: chr2-196841356-T-C. GRCh37 (hg19) VCF-style: chr2-197706080-T-C.
Other names: p.Thr883Ala; c.2125A>G, p.Thr709Ala (NM_001321099.2); c.1480A>G, p.Thr494Ala (NM_001321100.2); short protein forms T494A, T883A, T709A.
Identifiers: ClinVar variation 707756 (VCV000707756.15), dbSNP rs139107571, ClinGen allele CA2040566.

ClinVar aggregate classification (germline): Benign/Likely benign. Review status: criteria provided, multiple submitters, no conflicts (2 of 4 stars). 3 submissions from 3 submitters: Benign (1); Likely benign (2). Last evaluated 2025-10-20.

Conditions:
Intellectual disability, autosomal recessive 42 (NEDDSBA). Also called: Neurodevelopmental disorder with dysmorphic features, spasticity, and brain abnormalities; GLYCOSYLPHOSPHATIDYLINOSITOL BIOSYNTHESIS DEFECT 9. Identifiers: Orphanet 88616, MedGen C4014343, MONDO:0014348, OMIM 615802.
Hereditary spastic paraplegia. Also called: Familial spastic paraparesis. Identifiers: Orphanet 685, MedGen C0037773, MONDO:0019064. Disease mechanism: loss of function.

Allele frequency attached by ClinVar (database versions not stated): ESP Exome Variant Server 0.00038; gnomAD exomes 0.00040 and 0.00088; gnomAD 0.00043 and 0.00046; TOPMed 0.00055; ExAC 0.00079.
gnomAD v4.1: 687 of 1,613,268 alleles (0.043%); highest among the groups gnomAD compares: Admixed American, 0.1%; 3 homozygotes.

Submissions (3):

Labcorp Genetics (formerly Invitae), Labcorp
Classification: Likely benign for Intellectual disability, autosomal recessive 42. Last evaluated: 2025-10-20. Review status: criteria provided, single submitter. Criteria: Invitae Variant Classification Sherloc (09022015). Collection method: clinical testing. Allele origin: germline.

Mayo Clinic Laboratories, Mayo Clinic
Classification: Benign. Last evaluated: 2024-12-27. Review status: criteria provided, single submitter. Criteria: ACMG Guidelines, 2015. Collection method: clinical testing. Allele origin: germline. Observed: 1 variant allele.
Comment: BA1, BP4_moderate

Genome Diagnostics Laboratory, The Hospital for Sick Children
Classification: Likely benign for Hereditary spastic paraplegia. Last evaluated: 2019-11-01. Review status: criteria provided, single submitter. Criteria: ACMG Guidelines, 2015. Collection method: clinical testing. Allele origin: germline. Affected: yes.